The following is an entry in ClinVar:

NM_019032.6(ADAMTSL4):c.526C>T (p.Arg176Trp)

Genes: ADAMTSL4 (ADAMTS like 4; plus strand), ADAMTSL4-AS2 (ADAMTSL4 antisense RNA 2; minus strand). Cytogenetic location: 1q21.2.
Variant type: single nucleotide variant.
Coding change: c.526C>T on transcript NM_019032.6 (MANE Select); coding-DNA position 526, C replaced by T.
Protein change: p.Arg176Trp; replaces arginine 176 with tryptophan.
Molecular consequence: missense variant.
Genome position (GRCh38, 1-based): chr1:150,553,517, C>T. VCF-style: chr1-150553517-C-T. GRCh37 (hg19) VCF-style: chr1-150525993-C-T.
Other names: c.526C>T, p.Arg176Trp (NM_001288607.2, NM_001288608.2, NM_001378596.1 and 1 more transcripts); short protein forms R176W.
Identifiers: ClinVar variation 1395656 (VCV001395656.3), dbSNP rs751378344, ClinGen allele CA1077981.
Genomic context (GRCh38, chr1:150,553,517, plus strand): 5'-ATGTTCGGTTATGGGAGAGTGCCCTTTGCATTGCCACTGCACCGGAACCGCAGGCACCCT[C>T]GGAGCCCACCCAGATCTGAGCTGTCCCTGATCTCTTCTAGAGGGGAAGAGGCTATTCCGT-3'
Protein context (NP_061905.2, residues 166-186): LPLHRNRRHP[Arg176Trp]SPPRSELSLI

ClinVar aggregate classification (germline): Uncertain significance (1 of 4 stars; one submission).

Allele frequency attached by ClinVar (database versions not stated): gnomAD exomes below 0.00001; ExAC 0.00001; TOPMed 0.00001; gnomAD 0.00002.
gnomAD v4.1: 8 of 1,613,798 alleles (0.0005%); highest among the groups gnomAD compares: East Asian, 0.0045%; no homozygotes.

Submission:

Labcorp Genetics (formerly Invitae), Labcorp
Classification: Uncertain significance. Last evaluated: 2022-08-22. Review status: criteria provided, single submitter. Criteria: Invitae Variant Classification Sherloc (09022015). Collection method: clinical testing. Allele origin: germline.
Comment: This sequence change replaces arginine, which is basic and polar, with tryptophan, which is neutral and slightly polar, at codon 176 of the ADAMTSL4 protein (p.Arg176Trp). This variant is present in population databases (rs751378344, gnomAD 0.005%). This variant has not been reported in the literature in individuals affected with ADAMTSL4-related conditions. ClinVar contains an entry for this variant (Variation ID: 1395656). Algorithms developed to predict the effect of missense changes on protein structure and function are either unavailable or do not agree on the potential impact of this missense change (SIFT: "Deleterious"; PolyPhen-2: "Possibly Damaging"; Align-GVGD: "Class C0"). In summary, the available evidence is currently insufficient to determine the role of this variant in disease. Therefore, it has been classified as a Variant of Uncertain Significance.